The following is an entry in ClinVar:

NM_004341.5(CAD):c.5271G>T (p.Glu1757Asp)

Gene: CAD (carbamoyl-phosphate synthetase 2, aspartate transcarbamylase, and dihydroorotase; plus strand). Cytogenetic location: 2p23.3.
Variant type: single nucleotide variant.
Coding change: c.5271G>T on transcript NM_004341.5 (MANE Select); coding-DNA position 5271, G replaced by T.
Protein change: p.Glu1757Asp; replaces glutamic acid 1757 with aspartic acid.
Molecular consequence: missense variant.
Genome position (GRCh38, 1-based): chr2:27,239,348, G>T. VCF-style: chr2-27239348-G-T. GRCh37 (hg19) VCF-style: chr2-27462216-G-T.
Other names: c.5082G>T, p.Glu1694Asp (NM_001306079.2); short protein forms E1694D, E1757D.
Identifiers: ClinVar variation 4604187 (VCV004604187.1).

ClinVar aggregate classification (germline): Uncertain significance (1 of 4 stars; one submission).

Conditions:
Inborn genetic diseases. Identifiers: MedGen C0950123, MeSH D030342.

Submission:

Ambry Genetics
Classification: Uncertain significance for Inborn genetic diseases. Last evaluated: 2025-10-21. Review status: criteria provided, single submitter. Criteria: Ambry Variant Classification Scheme 2023. Collection method: clinical testing. Allele origin: germline.
Comment: The c.5271G>T (p.E1757D) alteration is located in exon 33 (coding exon 33) of the CAD gene. This alteration results from a G to T substitution at nucleotide position 5271, causing the glutamic acid (E) at amino acid position 1757 to be replaced by an aspartic acid (D). This variant was not reported in population-based cohorts in the Genome Aggregation Database (gnomAD). This amino acid position is highly conserved in available vertebrate species. This alteration is predicted to be deleterious by in silico analysis. Based on insufficient or conflicting evidence, the clinical significance of this alteration remains unclear.